The following is an entry in ClinVar:

NM_022168.4(IFIH1):c.574G>A (p.Glu192Lys)

Gene: IFIH1 (interferon induced with helicase C domain 1; minus strand). Cytogenetic location: 2q24.2.
Variant type: single nucleotide variant.
Coding change: c.574G>A on transcript NM_022168.4 (MANE Select); coding-DNA position 574, G replaced by A.
Protein change: p.Glu192Lys; replaces glutamic acid 192 with lysine.
Molecular consequence: missense variant.
Genome position (GRCh38, 1-based): chr2:162,310,813, C>T on the plus strand (G>A on the coding strand, the complement: IFIH1 is on the minus strand). VCF-style: chr2-162310813-C-T. GRCh37 (hg19) VCF-style: chr2-163167323-C-T.
Other names: short protein forms E192K.
Identifiers: ClinVar variation 2930961 (VCV002930961.3), dbSNP rs926076285, ClinGen allele CA59688516.

ClinVar aggregate classification (germline): Uncertain significance (1 of 4 stars; one submission).

Conditions:
Singleton-Merten syndrome 1 (SGMRT1). Also called: Widened medullary cavities of bone, aortic calcification, abnormal dentition, and muscular weakness; Syndrome of widened medullary cavities of the metacarpals and phalanges, aortic calcification and abnormal dentition. Identifiers: Orphanet 85191, MedGen C4225427, MONDO:0024535, OMIM 182250.
Aicardi-Goutieres syndrome 7 (AGS7). Identifiers: Orphanet 51, MedGen C3888244, MONDO:0014367, OMIM 615846.

Allele frequency attached by ClinVar (database versions not stated): gnomAD exomes below 0.00001; TOPMed below 0.00001.
gnomAD v4.1: 4 of 1,613,822 alleles (0.00025%); highest among the groups gnomAD compares: Non-Finnish European, 0.00034%; no homozygotes.

Submission:

Labcorp Genetics (formerly Invitae), Labcorp
Classification: Uncertain significance for Aicardi-Goutieres syndrome 7; Singleton-Merten syndrome 1. Last evaluated: 2023-03-30. Review status: criteria provided, single submitter. Criteria: Invitae Variant Classification Sherloc (09022015). Collection method: clinical testing. Allele origin: germline.
Comment: This sequence change replaces glutamic acid, which is acidic and polar, with lysine, which is basic and polar, at codon 192 of the IFIH1 protein (p.Glu192Lys). This variant is not present in population databases (gnomAD no frequency). In summary, the available evidence is currently insufficient to determine the role of this variant in disease. Therefore, it has been classified as a Variant of Uncertain Significance. Algorithms developed to predict the effect of missense changes on protein structure and function output the following: SIFT: "Not Available"; PolyPhen-2: "Benign"; Align-GVGD: "Not Available". The lysine amino acid residue is found in multiple mammalian species, which suggests that this missense change does not adversely affect protein function. This variant has not been reported in the literature in individuals affected with IFIH1-related conditions.